The following is an entry in ClinVar:

ClinVar aggregate classification (germline): Uncertain significance (1 of 4 stars; one submission).

Conditions:
Bethlem myopathy 1A. Also called: Bethlem myopathy 1; MYOPATHY, BENIGN CONGENITAL, WITH CONTRACTURES; Bethlem Muscular Dystrophy. Identifiers: Orphanet 610, MedGen CN029274, MONDO:0024530, OMIM 158810.

Submission:

Labcorp Genetics (formerly Invitae), Labcorp
Classification: Uncertain significance for Bethlem myopathy 1A. Last evaluated: 2025-10-02. Review status: criteria provided, single submitter. Criteria: Invitae Variant Classification Sherloc (09022015). Collection method: clinical testing. Allele origin: germline.
Comment: This sequence change replaces valine, which is neutral and non-polar, with alanine, which is neutral and non-polar, at codon 1851 of the COL6A3 protein (p.Val1851Ala). This variant is not present in population databases (gnomAD no frequency). This variant has not been reported in the literature in individuals affected with COL6A3-related conditions. ClinVar contains an entry for this variant (Variation ID: 574893). Invitae Evidence Modeling of protein sequence and biophysical properties (such as structural, functional, and spatial information, amino acid conservation, physicochemical variation, residue mobility, and thermodynamic stability) indicates that this missense variant is not expected to disrupt COL6A3 protein function with a negative predictive value of 80%. In summary, the available evidence is currently insufficient to determine the role of this variant in disease. Therefore, it has been classified as a Variant of Uncertain Significance.

NM_004369.4(COL6A3):c.5552T>C (p.Val1851Ala)

Gene: COL6A3 (collagen type VI alpha 3 chain; minus strand). Cytogenetic location: 2q37.3.
Variant type: single nucleotide variant.
Coding change: c.5552T>C on transcript NM_004369.4 (MANE Select); coding-DNA position 5552, T replaced by C.
Protein change: p.Val1851Ala; replaces valine 1851 with alanine.
Molecular consequence: missense variant.
Genome position (GRCh38, 1-based): chr2:237,365,984, A>G on the plus strand (T>C on the coding strand, the complement: COL6A3 is on the minus strand). VCF-style: chr2-237365984-A-G. GRCh37 (hg19) VCF-style: chr2-238274627-A-G.
Other names: c.3731T>C, p.Val1244Ala (NM_057166.5); c.4934T>C, p.Val1645Ala (NM_057167.4); short protein forms V1851A, V1645A, V1244A.
Identifiers: ClinVar variation 574893 (VCV000574893.11), dbSNP rs1559235183, ClinGen allele CA351186275.